The following is an entry in ClinVar:

NM_001958.5(EEF1A2):c.543C>T (p.Ile181=)

Genes: EEF1A2 (eukaryotic translation elongation factor 1 alpha 2; minus strand), LOC132090595 (Neanderthal introgressed variant-containing enhancer experimental_60987; plus strand). Cytogenetic location: 20q13.33.
Variant type: single nucleotide variant.
Coding change: c.543C>T on transcript NM_001958.5 (MANE Select); coding-DNA position 543, C replaced by T.
Protein change: p.Ile181=; no amino-acid change (isoleucine 181 retained).
Molecular consequence: synonymous variant.
Genome position (GRCh38, 1-based): chr20:63,494,883, G>A on the plus strand (C>T on the coding strand, the complement: EEF1A2 is on the minus strand). VCF-style: chr20-63494883-G-A. GRCh37 (hg19) VCF-style: chr20-62126236-G-A.
Identifiers: ClinVar variation 512460 (VCV000512460.12), dbSNP rs1057115359, ClinGen allele CA317441643.

ClinVar aggregate classification (germline): Likely benign. Review status: criteria provided, multiple submitters, no conflicts (2 of 4 stars). 2 submissions from 2 submitters: Likely benign (2). Last evaluated 2024-09-21.

Conditions:
Developmental and epileptic encephalopathy, 33 (DEE33). Also called: Epileptic encephalopathy, early infantile, 33. Identifiers: Orphanet 442835, MedGen C4225337, MONDO:0014625, OMIM 616409.

Allele frequency attached by ClinVar (database versions not stated): gnomAD 0.00002 and 0.00003; TOPMed 0.00002; gnomAD exomes 0.00002.
gnomAD v4.1: 29 of 1,612,622 alleles (0.0018%); highest among the groups gnomAD compares: East Asian, 0.0045%; no homozygotes.

Submissions (2):

Labcorp Genetics (formerly Invitae), Labcorp
Classification: Likely benign for Developmental and epileptic encephalopathy, 33. Last evaluated: 2024-09-21. Review status: criteria provided, single submitter. Criteria: Invitae Variant Classification Sherloc (09022015). Collection method: clinical testing. Allele origin: germline.

GeneDx
Classification: Likely benign. Last evaluated: 2017-09-28. Review status: criteria provided, single submitter. Criteria: GeneDx Variant Classification (06012015). Collection method: clinical testing. Allele origin: germline. Affected: yes.
Comment: This variant is considered likely benign or benign based on one or more of the following criteria: it is a conservative change, it occurs at a poorly conserved position in the protein, it is predicted to be benign by multiple in silico algorithms, and/or has population frequency not consistent with disease.